The following is an entry in ClinVar:

NM_006031.6(PCNT):c.4336C>T (p.Gln1446Ter)

Gene: PCNT (pericentrin; plus strand). Cytogenetic location: 21q22.3.
Variant type: single nucleotide variant.
Coding change: c.4336C>T on transcript NM_006031.6 (MANE Select); coding-DNA position 4336, C replaced by T.
Protein change: p.Gln1446Ter; replaces glutamine 1446 with a stop codon.
Molecular consequence: nonsense.
Genome position (GRCh38, 1-based): chr21:46,397,384, C>T. VCF-style: chr21-46397384-C-T. GRCh37 (hg19) VCF-style: chr21-47817298-C-T.
Other names: c.3982C>T, p.Gln1328Ter (NM_001315529.2); short protein forms Q1328*, Q1446*.
Identifiers: ClinVar variation 2863113 (VCV002863113.3), dbSNP rs1569249294, ClinGen allele CA410578743.

ClinVar aggregate classification (germline): Pathogenic (1 of 4 stars; one submission).

gnomAD v4.1: 1 of 1,614,200 alleles (0.000062%); highest among the groups gnomAD compares: Non-Finnish European, 0.000085%; no homozygotes.

Submission:

Labcorp Genetics (formerly Invitae), Labcorp
Classification: Pathogenic. Last evaluated: 2023-05-11. Review status: criteria provided, single submitter. Criteria: Invitae Variant Classification Sherloc (09022015). Collection method: clinical testing. Allele origin: germline.
Comment: For these reasons, this variant has been classified as Pathogenic. This variant has not been reported in the literature in individuals affected with PCNT-related conditions. This variant is present in population databases (no rsID available, gnomAD 0.0009%). This sequence change creates a premature translational stop signal (p.Gln1446*) in the PCNT gene. It is expected to result in an absent or disrupted protein product. Loss-of-function variants in PCNT are known to be pathogenic (PMID: 18174396, 22821869).

Literature cited by the submitters: PubMed 18174396; PubMed 22821869.